The following is an entry in ClinVar:

NM_000059.4(BRCA2):c.4574A>C (p.His1525Pro)

Gene: BRCA2 (BRCA2 DNA repair associated; plus strand). Cytogenetic location: 13q13.1.
Variant type: single nucleotide variant.
Coding change: c.4574A>C on transcript NM_000059.4 (MANE Select); coding-DNA position 4574, A replaced by C.
Protein change: p.His1525Pro; replaces histidine 1525 with proline.
Molecular consequence: missense variant.
Genome position (GRCh38, 1-based): chr13:32,338,929, A>C. VCF-style: chr13-32338929-A-C. GRCh37 (hg19) VCF-style: chr13-32913066-A-C.
Other names: short protein forms H1525P.
Identifiers: ClinVar variation 431191 (VCV000431191.29), dbSNP rs397507336, ClinGen allele CA6940795.

ClinVar aggregate classification (germline): Conflicting classifications of pathogenicity. Review status: criteria provided, conflicting classifications (1 of 4 stars). 10 submissions from 10 submitters: Uncertain significance (6); Likely benign (1). 3 of the submissions do not count toward it. Last evaluated 2025-08-06.

Conditions:
Breast-ovarian cancer, familial, susceptibility to, 2 (BROVCA2). Also called: BRCA2 Hereditary Breast and Ovarian Cancer. Identifiers: Orphanet 145, MedGen C2675520, MONDO:0012933, OMIM 612555. Disease mechanism: loss of function.
Malignant tumor of breast. Also called: Malignant breast neoplasm; Cancer breast. Identifiers: MedGen C0006142, MONDO:0007254. Disease mechanism: loss of function.
Hereditary cancer-predisposing syndrome. Also called: Hereditary neoplastic syndrome; Tumor predisposition; Neoplastic Syndromes, Hereditary; Hereditary Cancer Syndrome. Identifiers: Orphanet 140162, MedGen C0027672, MeSH D009386, MONDO:0015356.
Hereditary breast ovarian cancer syndrome. Also called: BRCA1- and BRCA2-Associated Hereditary Breast and Ovarian Cancer; Hereditary breast and/or ovarian cancer syndrome; Hereditary breast and ovarian cancer; Hereditary breast and ovarian cancer syndrome; Hereditary breast and ovarian cancer syndrome (HBOC); Breast and ovarian cancer. Identifiers: Orphanet 145, MedGen C0677776, MeSH D061325, MONDO:0003582. Disease mechanism: loss of function.
Familial cancer of breast. Also called: BREAST CANCER, FAMILIAL; Hereditary breast cancer; hereditary breast carcinoma. Identifiers: Orphanet 227535, MedGen C0346153, MONDO:0016419, OMIM 114480. Disease mechanism: loss of function.

Allele frequency attached by ClinVar (database versions not stated): gnomAD 0.00001; ExAC 0.00002.
gnomAD v4.1: 4 of 1,613,952 alleles (0.00025%); highest among the groups gnomAD compares: East Asian, 0.0089%; no homozygotes.

Submissions (10):

Quest Diagnostics Nichols Institute San Juan Capistrano
Classification: Uncertain significance. Last evaluated: 2025-08-06. Review status: criteria provided, single submitter. Criteria: Quest Diagnostics criteria. Collection method: clinical testing. Allele origin: unknown.
Comment: The BRCA2 c.4574A>C (p.His1525Pro) variant has been reported in the published literature in individuals with breast and/or ovarian cancer (PMID: 35918668 (2022), 34326862 (2021)), and is described to be located in a region of the BRCA2 gene that is tolerant to missense sequence changes (PMID: 31911673 (2020)). In a large scale breast cancer association study, this variant has been observed in breast cancer cases and reportedly unaffected individuals (PMID: 33471991 (2021), see also LOVD). The frequency of this variant in the general population (Genome Aggregation Database) is uninformative in the assessment of its pathogenicity. Analysis of this variant using bioinformatics tools for the prediction of the effect of amino acid changes on protein structure and function yielded conflicting predictions that this variant is benign or damaging. Additional analysis using software algorithms for the prediction of the effect of nucleotide changes on BRCA2 mRNA splicing yielded predictions that this variant may result in the gain of a cryptic splice site without affecting the natural splice sites. Based on the available information, we are unable to determine the clinical significance of this variant.

Ambry Genetics
Classification: Uncertain significance for Hereditary cancer-predisposing syndrome. Last evaluated: 2025-03-06. Review status: criteria provided, single submitter. Criteria: Ambry Variant Classification Scheme 2023. Collection method: clinical testing. Allele origin: germline.
Comment: The p.H1525P variant (also known as c.4574A>C), located in coding exon 10 of the BRCA2 gene, results from an A to C substitution at nucleotide position 4574. The histidine at codon 1525 is replaced by proline, an amino acid with similar properties. This variant was observed in 1/3251 individuals who met eligibility criteria for hereditary breast and ovarian cancer syndrome (Lerner-Ellis J et al. J Cancer Res Clin Oncol, 2021 Mar;147:871-879). Additionally, this variant was detected in 1/1664 Chinese Hakka patients with breast and/or ovarian cancer (Zhang Y et al. BMC Cancer, 2022 Aug;22:842). This amino acid position is not well conserved in available vertebrate species. In addition, the in silico prediction for this alteration is inconclusive. Based on the available evidence, the clinical significance of this variant remains unclear.

Labcorp Genetics (formerly Invitae), Labcorp
Classification: Uncertain significance for Hereditary breast ovarian cancer syndrome. Last evaluated: 2025-01-07. Review status: criteria provided, single submitter. Criteria: Invitae Variant Classification Sherloc (09022015). Collection method: clinical testing. Allele origin: germline.
Comment: This sequence change replaces histidine, which is basic and polar, with proline, which is neutral and non-polar, at codon 1525 of the BRCA2 protein (p.His1525Pro). This variant is present in population databases (rs397507336, gnomAD 0.02%). This missense change has been observed in individual(s) with breast and/or ovarian cancer (PMID: 32885271, 34326862, 35918668). ClinVar contains an entry for this variant (Variation ID: 431191). Invitae Evidence Modeling of protein sequence and biophysical properties (such as structural, functional, and spatial information, amino acid conservation, physicochemical variation, residue mobility, and thermodynamic stability) indicates that this missense variant is not expected to disrupt BRCA2 protein function with a negative predictive value of 95%. In summary, the available evidence is currently insufficient to determine the role of this variant in disease. Therefore, it has been classified as a Variant of Uncertain Significance.

All of Us Research Program, National Institutes of Health
Classification: Uncertain significance for Breast-ovarian cancer, familial, susceptibility to, 2. Last evaluated: 2024-02-05. Review status: criteria provided, single submitter. Criteria: ACMG Guidelines, 2015. Collection method: clinical testing. Allele origin: germline. Inheritance: Autosomal dominant inheritance. Observed: 4 variant alleles, 4 heterozygotes.
Comment: This missense variant replaces histidine with proline at codon 1525 of the BRCA2 protein. Computational prediction is inconclusive regarding the impact of this variant on protein structure and function (internally defined REVEL score threshold 0.5 < inconclusive < 0.7, PMID: 27666373). To our knowledge, functional studies have not been reported for this variant. This variant has been reported in an individual affected with breast cancer (PMID: 32885271). In a large breast cancer case-control meta-analysis conducted by the BRIDGES consortium, this variant was reported in 1/60466 cases and 1/53461 controls (PMID: 33471991; Leiden Open Variation Database DB-ID BRCA2_008241). This variant has been identified in 3/281922 chromosomes in the general population by the Genome Aggregation Database (gnomAD). The available evidence is insufficient to determine the role of this variant in disease conclusively. Therefore, this variant is classified as a Variant of Uncertain Significance.

This study involves interpretation of variants in research participants for the purpose of population health screening. Participant phenotype was not available at the time of variant classification. Additional details can be found in publication PMID: 35346344, PMCID: PMC8962531

Color Diagnostics, LLC DBA Color Health
Classification: Uncertain significance for Hereditary cancer-predisposing syndrome. Last evaluated: 2023-03-29. Review status: criteria provided, single submitter. Criteria: ACMG Guidelines, 2015. Collection method: clinical testing. Allele origin: germline.
Comment: This missense variant replaces histidine with proline at codon 1525 of the BRCA2 protein. Computational prediction is inconclusive regarding the impact of this variant on protein structure and function (internally defined REVEL score threshold 0.5 < inconclusive < 0.7, PMID: 27666373). To our knowledge, functional studies have not been reported for this variant. This variant has been reported in an individual affected with breast cancer (PMID: 32885271). In a large breast cancer case-control meta-analysis conducted by the BRIDGES consortium, this variant was reported in 1/60466 cases and 1/53461 controls (PMID: 33471991; Leiden Open Variation Database DB-ID BRCA2_008241). This variant has been identified in 3/281922 chromosomes in the general population by the Genome Aggregation Database (gnomAD). The available evidence is insufficient to determine the role of this variant in disease conclusively. Therefore, this variant is classified as a Variant of Uncertain Significance.

University of Washington Department of Laboratory Medicine, University of Washington
Classification: Likely benign for Hereditary cancer-predisposing syndrome. Last evaluated: 2023-03-23. Review status: criteria provided, single submitter. Criteria: Dines et al. (Genet Med. 2020). Collection method: curation. Allele origin: germline.
Comment: Missense variant in a coldspot region where missense variants are very unlikely to be pathogenic (PMID:31911673).

BRCA2 exon 11 coldspot. Reclassification based on statistical prior probability.

GeneDx
Classification: Uncertain significance. Last evaluated: 2022-03-25. Review status: criteria provided, single submitter. Criteria: GeneDx Variant Classification Process June 2021. Collection method: clinical testing. Allele origin: germline. Affected: yes.
Comment: Not observed at significant frequency in large population cohorts (gnomAD); In silico analysis supports that this missense variant has a deleterious effect on protein structure/function; Has not been previously published as pathogenic or benign to our knowledge; Also known as 4802A>C; This variant is associated with the following publications: (PMID: 9002670, 22193408)

Cancer Genetics and Genomics Laboratory, British Columbia Cancer Agency
Classification: Uncertain significance for Hereditary breast ovarian cancer syndrome. Last evaluated: 2016-04-14. Review status: no assertion criteria provided. Collection method: clinical testing. Allele origin: germline. Study: The Canadian Open Genetics Repository (COGR). Not counted in ClinVar's aggregate classification.

Center for Precision Medicine, Meizhou People's Hospital
Classification: Uncertain significance for Familial cancer of breast. Review status: no assertion criteria provided. Collection method: literature only. Allele origin: germline. Affected: yes. Not counted in ClinVar's aggregate classification.

Department of Pathology and Laboratory Medicine, Sinai Health System
Classification: Uncertain significance for Malignant tumor of breast. Review status: no assertion criteria provided. Collection method: clinical testing. Allele origin: unknown. Affected: yes. Study: The Canadian Open Genetics Repository (COGR). Not counted in ClinVar's aggregate classification.
Comment: The BRCA2 p.His1525Pro variant was not identified in the literature nor was it identified in the following databases: Cosmic, MutDB, LOVD 3.0, UMD-LSDB, BIC Database, ARUP Laboratories, Zhejiang Colon Cancer Database. The variant was identified in dbSNP (ID: rs397507336) as â€šÃ„ÃºWith Uncertain significance alleleâ€šÃ„Ã¹, and in ClinVar (reported 4x, as uncertain significance by Invitae, Ambry, Color Genomics, BC Cancer Agency). The variant was identified in control databases in 3 of 276538 chromosomes at a frequency of 0.00001 (Genome Aggregation Database Feb 27, 2017). It was observed in the East Asian population in 3 of 18862 chromosomes (freq: 0.0002), but not in the African, Other, Latino, European Non-Finnish, Ashkenazi Jewish, European Finnish, and South Asian populations. The p.His1525Pro residue is conserved in mammals but not in more distantly related organisms however four out of five computational analyses (PolyPhen-2, SIFT, AlignGVGD, BLOSUM, MutationTaster) do not suggest a high likelihood of impact to the protein; this information is not predictive enough to rule out pathogenicity. The variant occurs outside of the splicing consensus sequence and in silico or computational prediction software programs (SpliceSiteFinder, MaxEntScan, NNSPLICE, GeneSplicer, HumanSpliceFinder) do not predict a difference in splicing. In summary, based on the above information the clinical significance of this variant cannot be determined with certainty at this time. This variant is classified as a variant of uncertain significance.

Literature cited by the submitters: PubMed 33471991 (cited by 3 submitters); PubMed 35918668 (cited by 3 submitters); PubMed 34326862 (cited by Quest Diagnostics Nichols Institute San Juan Capistrano and Labcorp Genetics (formerly Invitae), Labcorp); PubMed 31911673 (cited by Quest Diagnostics Nichols Institute San Juan Capistrano); PubMed 32885271 (cited by 4 submitters).